The following is an entry in ClinVar:

NM_015141.4(GPD1L):c.684C>T (p.Ala228=)

Gene: GPD1L (glycerol-3-phosphate dehydrogenase 1 like; plus strand). Cytogenetic location: 3p22.3.
Variant type: single nucleotide variant.
Coding change: c.684C>T on transcript NM_015141.4 (MANE Select); coding-DNA position 684, C replaced by T.
Protein change: p.Ala228=; no amino-acid change (alanine 228 retained).
Molecular consequence: synonymous variant.
Genome position (GRCh38, 1-based): chr3:32,158,941, C>T. VCF-style: chr3-32158941-C-T. GRCh37 (hg19) VCF-style: chr3-32200433-C-T.
Identifiers: ClinVar variation 682535 (VCV000682535.10), dbSNP rs545047908, ClinGen allele CA2296724.

ClinVar aggregate classification (germline): Likely benign. Review status: criteria provided, multiple submitters, no conflicts (2 of 4 stars). 3 submissions from 3 submitters: Likely benign (3). Last evaluated 2024-11-19.

Conditions:
Cardiovascular phenotype. Identifiers: MedGen CN230736.
Brugada syndrome. Also called: Sudden unexpected nocturnal death syndrome; Sudden unexplained nocturnal death syndrome; Sudden Unexplained Death Syndrome; Sudden Unexplained Nocturnal Death Syndrome (SUNDS). Identifiers: Orphanet 130, MedGen C1142166, MONDO:0015263.

Allele frequency attached by ClinVar (database versions not stated): gnomAD 0.00001; gnomAD exomes 0.00001 and 0.00002; TOPMed 0.00001; 1000 Genomes Project 30x 0.00016; ExAC 0.00002; 1000 Genomes Project 0.00020.
gnomAD v4.1: 26 of 1,614,140 alleles (0.0016%); highest among the groups gnomAD compares: East Asian, 0.0022%; no homozygotes.

Submissions (3):

Labcorp Genetics (formerly Invitae), Labcorp
Classification: Likely benign for Brugada syndrome. Last evaluated: 2024-11-19. Review status: criteria provided, single submitter. Criteria: Invitae Variant Classification Sherloc (09022015). Collection method: clinical testing. Allele origin: germline.

Ambry Genetics
Classification: Likely benign for Cardiovascular phenotype. Last evaluated: 2024-01-01. Review status: criteria provided, single submitter. Criteria: Ambry Variant Classification Scheme 2023. Collection method: clinical testing. Allele origin: germline.

GeneDx
Classification: Likely benign. Last evaluated: 2018-04-25. Review status: criteria provided, single submitter. Criteria: GeneDx Variant Classification (06012015). Collection method: clinical testing. Allele origin: germline. Affected: yes.
Comment: This variant is considered likely benign or benign based on one or more of the following criteria: it is a conservative change, it occurs at a poorly conserved position in the protein, it is predicted to be benign by multiple in silico algorithms, and/or has population frequency not consistent with disease.